The following is an entry in ClinVar:

NM_005744.5(ARIH1):c.457A>C (p.Asn153His)

Gene: ARIH1 (ariadne RBR E3 ubiquitin protein ligase 1; plus strand). Cytogenetic location: 15q24.1.
Variant type: single nucleotide variant.
Coding change: c.457A>C on transcript NM_005744.5 (MANE Select); coding-DNA position 457, A replaced by C.
Protein change: p.Asn153His; replaces asparagine 153 with histidine.
Molecular consequence: missense variant.
Genome position (GRCh38, 1-based): chr15:72,544,833, A>C. VCF-style: chr15-72544833-A-C. GRCh37 (hg19) VCF-style: chr15-72837174-A-C.
Other names: short protein forms N153H.
Identifiers: ClinVar variation 3620620 (VCV003620620.2).

ClinVar aggregate classification (germline): Uncertain significance (1 of 4 stars; one submission).

Submission:

Labcorp Genetics (formerly Invitae), Labcorp
Classification: Uncertain significance. Last evaluated: 2024-07-25. Review status: criteria provided, single submitter. Criteria: Invitae Variant Classification Sherloc (09022015). Collection method: clinical testing. Allele origin: germline.
Comment: This sequence change replaces asparagine, which is neutral and polar, with histidine, which is basic and polar, at codon 153 of the ARIH1 protein (p.Asn153His). This variant is not present in population databases (gnomAD no frequency). This variant has not been reported in the literature in individuals affected with ARIH1-related conditions. An algorithm developed to predict the effect of missense changes on protein structure and function (PolyPhen-2) suggests that this variant is likely to be disruptive. In summary, the available evidence is currently insufficient to determine the role of this variant in disease. Therefore, it has been classified as a Variant of Uncertain Significance.